The following is an entry in ClinVar:

ClinVar aggregate classification (germline): Conflicting classifications of pathogenicity. Review status: criteria provided, conflicting classifications (1 of 4 stars). 3 submissions from 3 submitters: Likely pathogenic (2); Uncertain significance (1). Last evaluated 2026-01-26.

Conditions:
Polycystic kidney disease, adult type (PKD1). Also called: Polycystic Kidney Disease 1, Autosomal Dominant; Polycystic kidney disease 1; Polycystic kidney disease 1, severe; Polycystic Kidney, Autosomal Dominant; POLYCYSTIC KIDNEY DISEASE 1 WITH OR WITHOUT POLYCYSTIC LIVER DISEASE; POLYCYSTIC KIDNEY DISEASE, ADULT, TYPE I. Identifiers: MedGen C3149841, MONDO:0008263, OMIM 173900.

Submissions (3):

Medical and Scientific Branch, Hong Kong Genome Institute
Classification: Likely pathogenic for Polycystic kidney disease, adult type. Last evaluated: 2026-01-26. Review status: criteria provided, single submitter. Criteria: ACMG Guidelines, 2015. Collection method: clinical testing. Allele origin: unknown. Affected: yes.

Women's Health and Genetics/Laboratory Corporation of America, LabCorp
Classification: Uncertain significance. Last evaluated: 2025-09-03. Review status: criteria provided, single submitter. Criteria: LabCorp Variant Classification Summary - May 2015. Collection method: clinical testing. Allele origin: germline.
Comment: Variant summary: PKD1 c.6124G>C (p.Ala2042Pro) results in a non-conservative amino acid change in the encoded protein sequence. Algorithms developed to predict the effect of missense changes on protein structure and function all suggest that this variant is likely to be disruptive. The variant was absent in 245392 control chromosomes (gnomAD). c.6124G>C has been observed in individuals affected with Polycystic Kidney Disease 1 (e.g., Bullich_2018, Domingo-Gallego_2022). These data indicate that the variant may be associated with disease. To our knowledge, no experimental evidence demonstrating an impact on protein function has been reported. The following publications have been ascertained in the context of this evaluation (PMID: 29801666, 33532864). ClinVar contains an entry for this variant (Variation ID: 974498). Based on the evidence outlined above, the variant was classified as VUS-possibly pathogenic.

Molecular Biology Laboratory, Fundació Puigvert
Classification: Likely pathogenic for Polycystic kidney disease, adult type. Last evaluated: 2020-02-01. Review status: criteria provided, single submitter. Criteria: ACMG Guidelines, 2015. Collection method: research. Allele origin: paternal. Affected: yes. Study: KidneyPanel_2020.

Literature cited by the submitters: PubMed 29801666 (cited by Women's Health and Genetics/Laboratory Corporation of America, LabCorp); PubMed 33532864 (cited by Women's Health and Genetics/Laboratory Corporation of America, LabCorp and Molecular Biology Laboratory, Fundació Puigvert).

NM_001009944.3(PKD1):c.6124G>C (p.Ala2042Pro)

Gene: PKD1 (polycystin 1, transient receptor potential channel interacting; minus strand). Cytogenetic location: 16p13.3.
Variant type: single nucleotide variant.
Coding change: c.6124G>C on transcript NM_001009944.3 (MANE Select); coding-DNA position 6124, G replaced by C.
Protein change: p.Ala2042Pro; replaces alanine 2042 with proline.
Molecular consequence: missense variant.
Genome position (GRCh38, 1-based): chr16:2,109,043, C>G on the plus strand (G>C on the coding strand, the complement: PKD1 is on the minus strand). VCF-style: chr16-2109043-C-G. GRCh37 (hg19) VCF-style: chr16-2159044-C-G.
Other names: c.6124G>C, p.Ala2042Pro (NM_000296.4); short protein forms A2042P.
Identifiers: ClinVar variation 974498 (VCV000974498.3), dbSNP rs556681288, ClinGen allele CA394374305.
Genomic context (GRCh38, chr16:2,109,043, plus strand): 5'-GGACGGCGTCCTGAACCTCCAGCACCAGCGTGCGGTTCTCACTGCCCAGGGCGTTGAAGG[C>G]GCGCACCTGGATCTCCAACAGCCCCGCGGCCACGGGCGTGTAGGTGACGTCGCGGCCCGA-3'
Protein context (NP_001009944.3, residues 2032-2052): AAGLLEIQVR[Ala2042Pro]FNALGSENRT